The following is an entry in ClinVar:

NM_000057.4(BLM):c.2542C>A (p.Leu848Ile)

Gene: BLM (BLM RecQ like helicase; plus strand). Cytogenetic location: 15q26.1.
Variant type: single nucleotide variant.
Coding change: c.2542C>A on transcript NM_000057.4 (MANE Select); coding-DNA position 2542, C replaced by A.
Protein change: p.Leu848Ile; replaces leucine 848 with isoleucine.
Molecular consequence: missense variant.
Genome position (GRCh38, 1-based): chr15:90,769,573, C>A. VCF-style: chr15-90769573-C-A. GRCh37 (hg19) VCF-style: chr15-91312803-C-A.
Other names: c.2542C>A, p.Leu848Ile (NM_001287246.2, NM_001287247.2); c.1417C>A, p.Leu473Ile (NM_001287248.2); short protein forms L473I, L848I.
Identifiers: ClinVar variation 3659068 (VCV003659068.2).

ClinVar aggregate classification (germline): Uncertain significance (1 of 4 stars; one submission).

Conditions:
Bloom syndrome (BLM). Also called: Bloom-Torre-Machacek syndrome. Identifiers: Orphanet 125, MedGen C0005859, MONDO:0008876, OMIM 210900.

Submission:

Labcorp Genetics (formerly Invitae), Labcorp
Classification: Uncertain significance for Bloom syndrome. Last evaluated: 2024-07-09. Review status: criteria provided, single submitter. Criteria: Invitae Variant Classification Sherloc (09022015). Collection method: clinical testing. Allele origin: germline.
Comment: This sequence change replaces leucine, which is neutral and non-polar, with isoleucine, which is neutral and non-polar, at codon 848 of the BLM protein (p.Leu848Ile). This variant is not present in population databases (gnomAD no frequency). This variant has not been reported in the literature in individuals affected with BLM-related conditions. Advanced modeling of protein sequence and biophysical properties (such as structural, functional, and spatial information, amino acid conservation, physicochemical variation, residue mobility, and thermodynamic stability) performed at Invitae indicates that this missense variant is not expected to disrupt BLM protein function with a negative predictive value of 80%. In summary, the available evidence is currently insufficient to determine the role of this variant in disease. Therefore, it has been classified as a Variant of Uncertain Significance.